The following is an entry in ClinVar:

NM_020529.3(NFKBIA):c.636+5G>A

Gene: NFKBIA (NFKB inhibitor alpha; minus strand). Cytogenetic location: 14q13.2.
Variant type: single nucleotide variant.
Coding change: c.636+5G>A on transcript NM_020529.3 (MANE Select); 5 bases into the intron after coding-DNA position 636, G replaced by A.
Molecular consequence: intron variant.
Genome position (GRCh38, 1-based): chr14:35,402,766, C>T on the plus strand (G>A on the coding strand, the complement: NFKBIA is on the minus strand). VCF-style: chr14-35402766-C-T. GRCh37 (hg19) VCF-style: chr14-35871972-C-T.
Identifiers: ClinVar variation 2809837 (VCV002809837.3), dbSNP rs1290714319, ClinGen allele CA705269247.

ClinVar aggregate classification (germline): Uncertain significance (1 of 4 stars; one submission).

Conditions:
Ectodermal dysplasia and immunodeficiency 2. Identifiers: Orphanet 238468, Orphanet 98813, MedGen C2677481, MONDO:0012806, OMIM 612132.

Allele frequency attached by ClinVar (database versions not stated): gnomAD exomes below 0.00001; TOPMed below 0.00001.
gnomAD v4.1: 4 of 1,614,032 alleles (0.00025%); highest among the groups gnomAD compares: Middle Eastern, 0.033%; no homozygotes.

Submission:

Labcorp Genetics (formerly Invitae), Labcorp
Classification: Uncertain significance for Ectodermal dysplasia and immunodeficiency 2. Last evaluated: 2023-03-01. Review status: criteria provided, single submitter. Criteria: Invitae Variant Classification Sherloc (09022015). Collection method: clinical testing. Allele origin: germline.
Comment: In summary, the available evidence is currently insufficient to determine the role of this variant in disease. Therefore, it has been classified as a Variant of Uncertain Significance. Variants that disrupt the consensus splice site are a relatively common cause of aberrant splicing (PMID: 17576681, 9536098). Algorithms developed to predict the effect of sequence changes on RNA splicing suggest that this variant may disrupt the consensus splice site. This variant has not been reported in the literature in individuals affected with NFKBIA-related conditions. This variant is not present in population databases (gnomAD no frequency). This sequence change falls in intron 4 of the NFKBIA gene. It does not directly change the encoded amino acid sequence of the NFKBIA protein. It affects a nucleotide within the consensus splice site.

Literature cited by the submitters: PubMed 17576681; PubMed 9536098.